The following is an entry in ClinVar:

NM_020937.4(FANCM):c.4235T>C (p.Leu1412Ser)

Gene: FANCM (FA complementation group M; plus strand). Cytogenetic location: 14q21.2.
Variant type: single nucleotide variant.
Coding change: c.4235T>C on transcript NM_020937.4 (MANE Select); coding-DNA position 4235, T replaced by C.
Protein change: p.Leu1412Ser; replaces leucine 1412 with serine.
Molecular consequence: missense variant.
Genome position (GRCh38, 1-based): chr14:45,181,442, T>C. VCF-style: chr14-45181442-T-C. GRCh37 (hg19) VCF-style: chr14-45650645-T-C.
Other names: c.4157T>C, p.Leu1386Ser (NM_001308133.2); short protein forms L1386S, L1412S.
Identifiers: ClinVar variation 3726140 (VCV003726140.2).
Genomic context (GRCh38, chr14:45,181,442, plus strand): 5'-TAAACCTAAATCTATTAACCATTCATTATTTTAAAAAATAAATTATAGATGGACAATTAT[T>C]AACAAGTAACGAAAGTGAAGATGACGAGATTTTCCGAAGAAAAGTTAAAAGAGCAAAAGG-3'
Protein context (NP_065988.1, residues 1402-1422): SCHSVEDGQL[Leu1412Ser]TSNESEDDEI

ClinVar aggregate classification (germline): Uncertain significance (1 of 4 stars; one submission).

Conditions:
Fanconi anemia (FA). Also called: Fanconi's anemia. Identifiers: Orphanet 84, MedGen C0015625, MeSH D005199, MONDO:0019391.

gnomAD v4.1: 1 of 1,576,308 alleles (0.000063%); highest among the groups gnomAD compares: Non-Finnish European, 0.000087%; no homozygotes.

Submission:

Labcorp Genetics (formerly Invitae), Labcorp
Classification: Uncertain significance for Fanconi anemia. Last evaluated: 2024-11-27. Review status: criteria provided, single submitter. Criteria: Invitae Variant Classification Sherloc (09022015). Collection method: clinical testing. Allele origin: germline.
Comment: This sequence change replaces leucine, which is neutral and non-polar, with serine, which is neutral and polar, at codon 1412 of the FANCM protein (p.Leu1412Ser). This variant is not present in population databases (gnomAD no frequency). This variant has not been reported in the literature in individuals affected with FANCM-related conditions. An algorithm developed to predict the effect of missense changes on protein structure and function outputs the following: PolyPhen-2: "Benign". The serine amino acid residue is found in multiple mammalian species, which suggests that this missense change does not adversely affect protein function. In summary, the available evidence is currently insufficient to determine the role of this variant in disease. Therefore, it has been classified as a Variant of Uncertain Significance.